The following is an entry in ClinVar:

ClinVar aggregate classification (germline): Uncertain significance. Review status: criteria provided, multiple submitters, no conflicts (2 of 4 stars). 2 submissions from 2 submitters: Uncertain significance (2). Last evaluated 2025-03-19.

Conditions:
Malignant hyperthermia, susceptibility to, 1 (MHS1). Also called: Anesthesia related hyperthermia; Malignant hyperpyrexia; Fulminating hyperpyrexia; Pharmacogenic myopathy; RYR1-Related Malignant Hyperthermia Susceptibility; Malignant hyperthermia suceptibility 1. Identifiers: Orphanet 423, MedGen C2930980, MONDO:0007783, OMIM 145600.
RYR1-related disorder. Also called: RYR1-related condition; RYR1-related disorders. Identifiers: MedGen CN239331.

Allele frequency attached by ClinVar (database versions not stated): gnomAD exomes below 0.00001; ExAC 0.00001.
gnomAD v4.1: 6 of 1,613,648 alleles (0.00037%); highest among the groups gnomAD compares: Non-Finnish European, 0.00051%; no homozygotes.

Submissions (2):

Labcorp Genetics (formerly Invitae), Labcorp
Classification: Uncertain significance for RYR1-related disorder. Last evaluated: 2025-03-19. Review status: criteria provided, single submitter. Criteria: Invitae Variant Classification Sherloc (09022015). Collection method: clinical testing. Allele origin: germline.
Comment: This sequence change replaces tyrosine, which is neutral and polar, with phenylalanine, which is neutral and non-polar, at codon 564 of the RYR1 protein (p.Tyr564Phe). This variant is present in population databases (rs750809668, gnomAD 0.0009%). This variant has not been reported in the literature in individuals affected with RYR1-related conditions. ClinVar contains an entry for this variant (Variation ID: 3074628). Invitae Evidence Modeling of protein sequence and biophysical properties (such as structural, functional, and spatial information, amino acid conservation, physicochemical variation, residue mobility, and thermodynamic stability) indicates that this missense variant is not expected to disrupt RYR1 protein function with a negative predictive value of 80%. In summary, the available evidence is currently insufficient to determine the role of this variant in disease. Therefore, it has been classified as a Variant of Uncertain Significance.

All of Us Research Program, National Institutes of Health
Classification: Uncertain significance for Malignant hyperthermia, susceptibility to, 1. Last evaluated: 2023-12-01. Review status: criteria provided, single submitter. Criteria: ACMG Guidelines, 2015. Collection method: clinical testing. Allele origin: germline. Inheritance: Autosomal dominant inheritance. Observed: 1 variant allele, 1 heterozygote.
Comment: This study involves interpretation of variants in research participants for the purpose of population health screening. Participant phenotype was not available at the time of variant classification. Additional details can be found in publication PMID: 35346344, PMCID: PMC8962531

NM_000540.3(RYR1):c.1691A>T (p.Tyr564Phe)

Gene: RYR1 (ryanodine receptor 1; plus strand). Cytogenetic location: 19q13.2.
Variant type: single nucleotide variant.
Coding change: c.1691A>T on transcript NM_000540.3 (MANE Select); coding-DNA position 1691, A replaced by T.
Protein change: p.Tyr564Phe; replaces tyrosine 564 with phenylalanine.
Molecular consequence: missense variant.
Genome position (GRCh38, 1-based): chr19:38,455,651, A>T. VCF-style: chr19-38455651-A-T. GRCh37 (hg19) VCF-style: chr19-38946291-A-T.
Other names: c.1691A>T, p.Tyr564Phe (NM_001042723.2); short protein forms Y564F.
Identifiers: ClinVar variation 3074628 (VCV003074628.2), dbSNP rs750809668, ClinGen allele CA062352.